The following is an entry in ClinVar:

NM_006648.4(WNK2):c.3127C>A (p.Pro1043Thr)

Gene: WNK2 (WNK lysine deficient protein kinase 2; plus strand). Cytogenetic location: 9q22.31.
Variant type: single nucleotide variant.
Coding change: c.3127C>A on transcript NM_006648.4 (MANE Select); coding-DNA position 3127, C replaced by A.
Protein change: p.Pro1043Thr; replaces proline 1043 with threonine.
Molecular consequence: missense variant.
Genome position (GRCh38, 1-based): chr9:93,261,874, C>A. VCF-style: chr9-93261874-C-A. GRCh37 (hg19) VCF-style: chr9-96024156-C-A.
Other names: c.3127C>A, p.Pro1043Thr (NM_001282394.3); short protein forms P1043T.
Identifiers: ClinVar variation 3816487 (VCV003816487.1).

ClinVar aggregate classification (germline): Uncertain significance (1 of 4 stars; one submission).

Submission:

Ambry Genetics
Classification: Uncertain significance. Last evaluated: 2024-12-15. Review status: criteria provided, single submitter. Criteria: Ambry Variant Classification Scheme 2023. Collection method: clinical testing. Allele origin: germline.
Comment: The p.P1043T variant (also known as c.3127C>A), located in coding exon 12 of the WNK2 gene, results from a C to A substitution at nucleotide position 3127. The proline at codon 1043 is replaced by threonine, an amino acid with highly similar properties. This amino acid position is conserved. In addition, this alteration is predicted to be tolerated by in silico analysis. Based on the available evidence, the clinical significance of this variant remains unclear.